The following is an entry in ClinVar:

NM_203447.4(DOCK8):c.3051G>A (p.Met1017Ile)

Gene: DOCK8 (dedicator of cytokinesis 8; plus strand). Cytogenetic location: 9p24.3.
Variant type: single nucleotide variant.
Coding change: c.3051G>A on transcript NM_203447.4 (MANE Select); coding-DNA position 3051, G replaced by A.
Protein change: p.Met1017Ile; replaces methionine 1017 with isoleucine.
Molecular consequence: missense variant.
Genome position (GRCh38, 1-based): chr9:396,865, G>A. VCF-style: chr9-396865-G-A. GRCh37 (hg19) VCF-style: chr9-396865-G-A.
Other names: c.2751G>A, p.Met917Ile (NM_001190458.2); c.2847G>A, p.Met949Ile (NM_001193536.2); short protein forms M917I, M1017I, M949I.
Identifiers: ClinVar variation 1363295 (VCV001363295.8), dbSNP rs2054485141, ClinGen allele CA372753010.

ClinVar aggregate classification (germline): Uncertain significance (1 of 4 stars; one submission).

Conditions:
Combined immunodeficiency due to DOCK8 deficiency (HIES2). Also called: Hyper-IgE recurrent infection syndrome, autosomal recessive; HIES autosomal recessive; DOCK8 Deficiency; HYPER-IgE RECURRENT INFECTION SYNDROME 2, AUTOSOMAL RECESSIVE; HYPER-IgE SYNDROME 2, AUTOSOMAL RECESSIVE, WITH RECURRENT INFECTIONS. Identifiers: Orphanet 217390, MedGen C4722305, MONDO:0009478, OMIM 243700.

Submission:

Labcorp Genetics (formerly Invitae), Labcorp
Classification: Uncertain significance for Combined immunodeficiency due to DOCK8 deficiency. Last evaluated: 2022-07-18. Review status: criteria provided, single submitter. Criteria: Invitae Variant Classification Sherloc (09022015). Collection method: clinical testing. Allele origin: germline.
Comment: In summary, the available evidence is currently insufficient to determine the role of this variant in disease. Therefore, it has been classified as a Variant of Uncertain Significance. Algorithms developed to predict the effect of sequence changes on RNA splicing suggest that this variant may create or strengthen a splice site. Algorithms developed to predict the effect of missense changes on protein structure and function (SIFT, PolyPhen-2, Align-GVGD) all suggest that this variant is likely to be tolerated. ClinVar contains an entry for this variant (Variation ID: 1363295). This variant has not been reported in the literature in individuals affected with DOCK8-related conditions. This variant is not present in population databases (gnomAD no frequency). This sequence change replaces methionine, which is neutral and non-polar, with isoleucine, which is neutral and non-polar, at codon 1017 of the DOCK8 protein (p.Met1017Ile).